The following is an entry in ClinVar:

NM_005050.4(ABCD4):c.1753-18G>A

Gene: ABCD4 (ATP binding cassette subfamily D member 4; minus strand). Cytogenetic location: 14q24.3.
Variant type: single nucleotide variant.
Coding change: c.1753-18G>A on transcript NM_005050.4 (MANE Select); 18 bases into the intron before coding-DNA position 1753, G replaced by A.
Molecular consequence: intron variant. On other transcripts: 3 prime UTR variant (11), non-coding transcript variant (3).
Genome position (GRCh38, 1-based): chr14:74,286,547, C>T on the plus strand (G>A on the coding strand, the complement: ABCD4 is on the minus strand). VCF-style: chr14-74286547-C-T. GRCh37 (hg19) VCF-style: chr14-74753250-C-T.
Other names: c.*127G>A (NM_001353592.2, NM_001353594.2, NM_001353599.2 and 7 more transcripts); c.*243G>A (NM_001353610.2); c.1276-18G>A (NM_001353598.2, NM_020324.3); c.1492-18G>A (NM_001353593.2); c.964-18G>A (NM_001353604.2, NM_001353603.2, NM_001353602.2 and 1 more transcripts); c.1288-18G>A (NM_001353597.2); c.1339-18G>A (NM_001353596.2, NM_001353595.2); c.1627-18G>A (NM_001353591.2).
Identifiers: ClinVar variation 383627 (VCV000383627.5), dbSNP rs772567988, ClinGen allele CA7266581.
Genomic context (GRCh38, chr14:74,286,547, plus strand): 5'-CCCATCTTCCTCCTCCACAGAGTTTCAGAACCAAGGAATGAAACTACAAGAGACCACCAC[C>T]ACATGGAGATCAGGCTGCCCTGGCCGCTGGCAGAGGAGGCCACTCGGTTCTCTCTGCTAC-3'

ClinVar aggregate classification (germline): Likely benign. Review status: criteria provided, multiple submitters, no conflicts (2 of 4 stars). 2 submissions from 2 submitters: Likely benign (2). Last evaluated 2026-01-13.

Conditions:
Methylmalonic acidemia with homocystinuria, type cblJ (MAHCJ). Also called: METHYLMALONIC ACIDURIA AND HOMOCYSTINURIA, cblJ TYPE. Identifiers: Orphanet 369955, MedGen C3553915, MONDO:0013925, OMIM 614857.

Allele frequency attached by ClinVar (database versions not stated): TOPMed below 0.00001; gnomAD 0.00001; ExAC 0.00005.

Submissions (2):

Labcorp Genetics (formerly Invitae), Labcorp
Classification: Likely benign for Methylmalonic acidemia with homocystinuria, type cblJ. Last evaluated: 2026-01-13. Review status: criteria provided, single submitter. Criteria: Invitae Variant Classification Sherloc (09022015). Collection method: clinical testing. Allele origin: germline.

GeneDx
Classification: Likely benign. Last evaluated: 2016-03-04. Review status: criteria provided, single submitter. Criteria: GeneDx Variant Classification (06012015). Collection method: clinical testing. Allele origin: germline. Affected: yes.
Comment: This variant is considered likely benign or benign based on one or more of the following criteria: it is a conservative change, it occurs at a poorly conserved position in the protein, it is predicted to be benign by multiple in silico algorithms, and/or has population frequency not consistent with disease.